The following is an entry in ClinVar:

ClinVar aggregate classification (germline): Uncertain significance. Review status: criteria provided, multiple submitters, no conflicts (2 of 4 stars). 2 submissions from 2 submitters: Uncertain significance (2). Last evaluated 2025-06-07.

Conditions:
Hyperkalemic periodic paralysis. Also called: Familial hyperkalemic periodic paralysis; Gamstorp disease. Identifiers: Orphanet 682, MedGen C0238357, MONDO:0008224, OMIM 170500, HP:0007215.

gnomAD v4.1: 1 of 1,605,012 alleles (0.000062%); highest among the groups gnomAD compares: Admixed American, 0.0017%; no homozygotes.

Submissions (2):

Labcorp Genetics (formerly Invitae), Labcorp
Classification: Uncertain significance for Hyperkalemic periodic paralysis. Last evaluated: 2025-06-07. Review status: criteria provided, single submitter. Criteria: Invitae Variant Classification Sherloc (09022015). Collection method: clinical testing. Allele origin: germline.
Comment: This sequence change replaces valine, which is neutral and non-polar, with leucine, which is neutral and non-polar, at codon 999 of the SCN4A protein (p.Val999Leu). This variant is present in population databases (no rsID available, gnomAD 0.003%). This variant has not been reported in the literature in individuals affected with SCN4A-related conditions. ClinVar contains an entry for this variant (Variation ID: 1709948). Invitae Evidence Modeling of protein sequence and biophysical properties (such as structural, functional, and spatial information, amino acid conservation, physicochemical variation, residue mobility, and thermodynamic stability) indicates that this missense variant is not expected to disrupt SCN4A protein function with a negative predictive value of 95%. In summary, the available evidence is currently insufficient to determine the role of this variant in disease. Therefore, it has been classified as a Variant of Uncertain Significance.

MGZ Medical Genetics Center
Classification: Uncertain significance for Hyperkalemic periodic paralysis. Last evaluated: 2022-02-23. Review status: criteria provided, single submitter. Criteria: ACMG Guidelines, 2015. Collection method: clinical testing. Allele origin: germline. Affected: yes. Observed: 1 variant allele.
Comment: ACMG criteria applied: PM2_SUP, PP3

NM_000334.4(SCN4A):c.2995G>T (p.Val999Leu)

Genes: GH-LCR (growth hormone locus control region; plus strand), SCN4A (sodium voltage-gated channel alpha subunit 4; minus strand). Cytogenetic location: 17q23.3.
Variant type: single nucleotide variant.
Coding change: c.2995G>T on transcript NM_000334.4 (MANE Select); coding-DNA position 2995, G replaced by T.
Protein change: p.Val999Leu; replaces valine 999 with leucine.
Molecular consequence: missense variant.
Genome position (GRCh38, 1-based): chr17:63,948,760, C>A on the plus strand (G>T on the coding strand, the complement: SCN4A is on the minus strand). VCF-style: chr17-63948760-C-A. GRCh37 (hg19) VCF-style: chr17-62026120-C-A.
Other names: short protein forms V999L.
Identifiers: ClinVar variation 1709948 (VCV001709948.3), dbSNP rs377277110, ClinGen allele CA292963183.